The following is an entry in ClinVar:

ClinVar aggregate classification (germline): Uncertain significance (1 of 4 stars; one submission).

Conditions:
Inborn genetic diseases. Identifiers: MedGen C0950123, MeSH D030342.

Submission:

Ambry Genetics
Classification: Uncertain significance for Inborn genetic diseases. Last evaluated: 2024-10-04. Review status: criteria provided, single submitter. Criteria: Ambry Variant Classification Scheme 2023. Collection method: clinical testing. Allele origin: germline.
Comment: The p.D369N variant (also known as c.1105G>A), located in coding exon 9 of the FANCG gene, results from a G to A substitution at nucleotide position 1105. The aspartic acid at codon 369 is replaced by asparagine, an amino acid with highly similar properties. This amino acid position is conserved. In addition, this alteration is predicted to be tolerated by in silico analysis. Based on the available evidence, the clinical significance of this variant remains unclear.

NM_004629.2(FANCG):c.1105G>A (p.Asp369Asn)

Gene: FANCG (FA complementation group G; minus strand). Cytogenetic location: 9p13.3.
Variant type: single nucleotide variant.
Coding change: c.1105G>A on transcript NM_004629.2 (MANE Select); coding-DNA position 1105, G replaced by A.
Protein change: p.Asp369Asn; replaces aspartic acid 369 with asparagine.
Molecular consequence: missense variant.
Genome position (GRCh38, 1-based): chr9:35,076,000, C>T on the plus strand (G>A on the coding strand, the complement: FANCG is on the minus strand). VCF-style: chr9-35076000-C-T. GRCh37 (hg19) VCF-style: chr9-35075997-C-T.
Other names: short protein forms D369N.
Identifiers: ClinVar variation 3512828 (VCV003512828.1).